The following is an entry in ClinVar:

NM_001128431.4(SLC39A14):c.752A>G (p.His251Arg)

Gene: SLC39A14 (solute carrier family 39 member 14; plus strand). Cytogenetic location: 8p21.3.
Variant type: single nucleotide variant.
Coding change: c.752A>G on transcript NM_001128431.4 (MANE Select); coding-DNA position 752, A replaced by G.
Protein change: p.His251Arg; replaces histidine 251 with arginine.
Molecular consequence: missense variant.
Genome position (GRCh38, 1-based): chr8:22,415,770, A>G. VCF-style: chr8-22415770-A-G. GRCh37 (hg19) VCF-style: chr8-22273283-A-G.
Other names: c.752A>G, p.His251Arg (NM_001135153.3, NM_001135154.3, NM_001351655.2 and 3 more transcripts); c.782A>G, p.His261Arg (NM_001351657.2, NM_001351658.2, NM_001351659.2); short protein forms H261R, H251R.
Identifiers: ClinVar variation 1990483 (VCV001990483.4), dbSNP rs746276725, ClinGen allele CA4667436.

ClinVar aggregate classification (germline): Uncertain significance (1 of 4 stars; one submission).

Allele frequency attached by ClinVar (database versions not stated): TOPMed below 0.00001; gnomAD 0.00001; ExAC 0.00002; gnomAD exomes 0.00003.
gnomAD v4.1: 43 of 1,608,332 alleles (0.0027%); highest among the groups gnomAD compares: Non-Finnish European, 0.0036%; no homozygotes.

Submission:

Labcorp Genetics (formerly Invitae), Labcorp
Classification: Uncertain significance. Last evaluated: 2022-06-16. Review status: criteria provided, single submitter. Criteria: Invitae Variant Classification Sherloc (09022015). Collection method: clinical testing. Allele origin: germline.
Comment: This variant has not been reported in the literature in individuals affected with SLC39A14-related conditions. This variant is present in population databases (rs746276725, gnomAD 0.004%). This sequence change replaces histidine, which is basic and polar, with arginine, which is basic and polar, at codon 251 of the SLC39A14 protein (p.His251Arg). Algorithms developed to predict the effect of missense changes on protein structure and function output the following: SIFT: "Deleterious"; PolyPhen-2: "Benign"; Align-GVGD: "Class C0". The arginine amino acid residue is found in multiple mammalian species, which suggests that this missense change does not adversely affect protein function. In summary, the available evidence is currently insufficient to determine the role of this variant in disease. Therefore, it has been classified as a Variant of Uncertain Significance.